The following is an entry in ClinVar:

ClinVar aggregate classification (germline): Likely benign (1 of 4 stars; one submission).

Allele frequency attached by ClinVar (database versions not stated): gnomAD 0.00001.
gnomAD v4.1: 2 of 1,527,252 alleles (0.00013%); highest among the groups gnomAD compares: Non-Finnish European, 0.00017%; no homozygotes.

Submission:

CeGaT Center for Human Genetics Tuebingen
Classification: Likely benign. Last evaluated: 2024-02-01. Review status: criteria provided, single submitter. Criteria: CeGaT Center For Human Genetics Tuebingen Variant Classification Criteria Version 2. Collection method: clinical testing. Allele origin: germline. Affected: yes. Observed: 1 variant allele.
Comment: SOX17: BP4, BP7

NM_022454.4(SOX17):c.750C>T (p.Thr250=)

Gene: SOX17 (SRY-box transcription factor 17; plus strand). Cytogenetic location: 8q11.23.
Variant type: single nucleotide variant.
Coding change: c.750C>T on transcript NM_022454.4 (MANE Select); coding-DNA position 750, C replaced by T.
Protein change: p.Thr250=; no amino-acid change (threonine 250 retained).
Molecular consequence: synonymous variant.
Genome position (GRCh38, 1-based): chr8:54,459,500, C>T. VCF-style: chr8-54459500-C-T. GRCh37 (hg19) VCF-style: chr8-55372060-C-T.
Identifiers: ClinVar variation 3026467 (VCV003026467.22), dbSNP rs1161632509, ClinGen allele CA461108712.